The following is an entry in ClinVar:

NM_152564.5(VPS13B):c.8727C>T (p.Asp2909=)

Gene: VPS13B (vacuolar protein sorting 13 homolog B; plus strand). Cytogenetic location: 8q22.2.
Variant type: single nucleotide variant.
Coding change: c.8727C>T on transcript NM_152564.5 (MANE Select); coding-DNA position 8727, C replaced by T.
Protein change: p.Asp2909=; no amino-acid change (aspartic acid 2909 retained).
Molecular consequence: synonymous variant.
Genome position (GRCh38, 1-based): chr8:99,819,517, C>T. VCF-style: chr8-99819517-C-T. GRCh37 (hg19) VCF-style: chr8-100831745-C-T.
Other names: c.8802C>T, p.Asp2934= (NM_017890.5); c.8727C>T (NM_152564.4).
Identifiers: ClinVar variation 528855 (VCV000528855.36), dbSNP rs201517365, ClinGen allele CA4824531.

ClinVar aggregate classification (germline): Likely benign. Review status: criteria provided, multiple submitters, no conflicts (2 of 4 stars). 4 submissions from 4 submitters: Likely benign (3). 1 of the submissions does not count toward it. Last evaluated 2026-02-03.

Conditions:
VPS13B-related disorder. Also called: VPS13B-related condition.
Cohen syndrome (COH1). Also called: Cutis verticis gyrata, retinitis pigmentosa, and sensorineural deafness; PEPPER SYNDROME. Identifiers: Orphanet 193, MedGen C0265223, MONDO:0008999, OMIM 216550.

Allele frequency attached by ClinVar (database versions not stated): gnomAD exomes 0.00013 and 0.00010; ExAC 0.00015; 1000 Genomes Project 0.00040; 1000 Genomes Project 30x 0.00047; TOPMed 0.00005; gnomAD 0.00006 and 0.00011.
gnomAD v4.1: 172 of 1,613,824 alleles (0.011%); highest among the groups gnomAD compares: South Asian, 0.088%; no homozygotes.

Submissions (4):

Labcorp Genetics (formerly Invitae), Labcorp
Classification: Likely benign for Cohen syndrome. Last evaluated: 2026-02-03. Review status: criteria provided, single submitter. Criteria: Invitae Variant Classification Sherloc (09022015). Collection method: clinical testing. Allele origin: germline.

Blueprint Genetics
Classification: Likely benign. Last evaluated: 2024-11-18. Review status: criteria provided, single submitter. Criteria: ACMG Guidelines, 2015. Collection method: clinical testing. Allele origin: germline.

CeGaT Center for Human Genetics Tuebingen
Classification: Likely benign. Last evaluated: 2024-08-01. Review status: criteria provided, single submitter. Criteria: CeGaT Center For Human Genetics Tuebingen Variant Classification Criteria Version 2. Collection method: clinical testing. Allele origin: germline. Affected: yes. Observed: 2 variant alleles.
Comment: VPS13B: BP4, BP7

PreventionGenetics, part of Exact Sciences
Classification: Likely benign for VPS13B-related condition. Last evaluated: 2019-05-10. Review status: no assertion criteria provided. Collection method: clinical testing. Allele origin: germline. Not counted in ClinVar's aggregate classification.
Comment: This variant is classified as likely benign based on ACMG/AMP sequence variant interpretation guidelines (Richards et al. 2015 PMID: 25741868, with internal and published modifications).